The following is an entry in ClinVar:

ClinVar aggregate classification (germline): Uncertain significance (1 of 4 stars; one submission).

gnomAD v4.1: 5 of 1,610,306 alleles (0.00031%); highest among the groups gnomAD compares: African/African-American, 0.0067%; no homozygotes.

Submission:

Labcorp Genetics (formerly Invitae), Labcorp
Classification: Uncertain significance. Last evaluated: 2024-10-22. Review status: criteria provided, single submitter. Criteria: Invitae Variant Classification Sherloc (09022015). Collection method: clinical testing. Allele origin: germline.
Comment: This sequence change replaces methionine, which is neutral and non-polar, with leucine, which is neutral and non-polar, at codon 67 of the ATF6 protein (p.Met67Leu). This variant is present in population databases (rs1058405, gnomAD 0.01%). This variant has not been reported in the literature in individuals affected with ATF6-related conditions. ClinVar contains an entry for this variant (Variation ID: 1489072). Invitae Evidence Modeling of protein sequence and biophysical properties (such as structural, functional, and spatial information, amino acid conservation, physicochemical variation, residue mobility, and thermodynamic stability) indicates that this missense variant is not expected to disrupt ATF6 protein function with a negative predictive value of 80%. In summary, the available evidence is currently insufficient to determine the role of this variant in disease. Therefore, it has been classified as a Variant of Uncertain Significance.

NM_007348.4(ATF6):c.199A>T (p.Met67Leu)

Gene: ATF6 (activating transcription factor 6; plus strand). Cytogenetic location: 1q23.3.
Variant type: single nucleotide variant.
Coding change: c.199A>T on transcript NM_007348.4 (MANE Select); coding-DNA position 199, A replaced by T.
Protein change: p.Met67Leu; replaces methionine 67 with leucine.
Molecular consequence: missense variant.
Genome position (GRCh38, 1-based): chr1:161,781,951, A>T. VCF-style: chr1-161781951-A-T. GRCh37 (hg19) VCF-style: chr1-161751741-A-T.
Other names: short protein forms M67L.
Identifiers: ClinVar variation 1489072 (VCV001489072.6), dbSNP rs1058405, ClinGen allele CA31726544.